The following is an entry in ClinVar:

ClinVar aggregate classification (germline): Uncertain significance (1 of 4 stars; one submission).

gnomAD v4.1: 6 of 1,209,461 alleles (0.0005%); highest among the groups gnomAD compares: Admixed American, 0.0044%; no homozygotes.

Submission:

GeneDx
Classification: Uncertain significance. Last evaluated: 2026-05-15. Review status: criteria provided, single submitter. Criteria: GeneDx Variant Classification Process June 2021. Collection method: clinical testing. Allele origin: germline.
Comment: In silico analysis supports that this missense variant has a deleterious effect on protein structure/function; This variant is associated with the following publications: (PMID: 31957018)

NM_031407.7(HUWE1):c.2569C>G (p.Pro857Ala)

Gene: HUWE1 (HECT, UBA and WWE domain containing E3 ubiquitin protein ligase 1; minus strand). Cytogenetic location: Xp11.22.
Variant type: single nucleotide variant.
Coding change: c.2569C>G on transcript NM_031407.7 (MANE Select); coding-DNA position 2569, C replaced by G.
Protein change: p.Pro857Ala; replaces proline 857 with alanine.
Molecular consequence: missense variant.
Genome position (GRCh38, 1-based): chrX:53,604,762, G>C on the plus strand (C>G on the coding strand, the complement: HUWE1 is on the minus strand). VCF-style: chrX-53604762-G-C. GRCh37 (hg19) VCF-style: chrX-53631723-G-C.
Other names: short protein forms P857A.
Identifiers: ClinVar variation 3343944 (VCV003343944.2).
Genomic context (GRCh38, chrX:53,604,762, plus strand): 5'-CGCAAGCCAGTTCTCGCAACAACACTGAGCCCCCAGGGGATTCAATGGGGCGGTGTAAGG[G>C]CTCCAGGGAGGAGAGGATGGAGTCCAACTGAAGGAGACCCTCTTGAAGGACTTTGGGTTC-3'
Protein context (NP_113584.3, residues 847-867): QLDSILSSLE[Pro857Ala]LHRPIESPGG